The following is an entry in ClinVar:

NM_001164508.2(NEB):c.18703_18704insT (p.Arg6235fs)

Gene: NEB (nebulin; minus strand). Cytogenetic location: 2q23.3.
Variant type: Insertion.
Coding change: c.18703_18704insT on transcript NM_001164508.2 (MANE Select); coding-DNA positions 18703 to 18704, T inserted.
Protein change: p.Arg6235fs; shifts the reading frame from arginine 6235.
Molecular consequence: frameshift variant.
Genome position: GRCh38 VCF-style: chr2-151562798-C-CA. GRCh37 (hg19) VCF-style: chr2-152419312-C-CA.
Other names: c.18703_18704insT, p.Arg6235fs (NM_001164507.2, NM_001271208.2); c.13600_13601insT, p.Arg4534fs (NM_004543.5); short protein forms R4534fs, R6235fs.
Identifiers: ClinVar variation 1726680 (VCV001726680.2), dbSNP rs2552190584, ClinGen allele CA2580063957.

ClinVar aggregate classification (germline): Likely pathogenic (1 of 4 stars; one submission).

Conditions:
Nemaline myopathy 2 (NEM2). Also called: Nemaline myopathy 2, autosomal recessive. Identifiers: MedGen C1850569, MONDO:0009725, OMIM 256030.

Submission:

Myriad Genetics, Inc.
Classification: Likely pathogenic for Nemaline myopathy 2. Last evaluated: 2021-12-30. Review status: criteria provided, single submitter. Criteria: Myriad Women's Health Autosomal Recessive and X-Linked Classification Criteria (2021). Collection method: clinical testing. Allele origin: unknown.
Comment: NM_001271208.1(NEB):c.18703_18704insT(R6235Mfs*5) is expected to be pathogenic in the context of NEB-related nemaline myopathy. This variant is predicted to lead to an abnormal or absent protein product due to the creation of a premature termination codon in NEB, a gene where loss-of-function variants are known to be pathogenic. Please note: this variant was assessed in the context of healthy population screening.